The following is an entry in ClinVar:

ClinVar aggregate classification (germline): Uncertain significance. Review status: criteria provided, multiple submitters, no conflicts (2 of 4 stars). 2 submissions from 2 submitters: Uncertain significance (2). Last evaluated 2025-12-08.

Conditions:
Townes syndrome (TBS). Also called: Townes-Brocks syndrome. Identifiers: Orphanet 857, MedGen C0265246, MeSH C536974, MONDO:0007142.
Inborn genetic diseases. Identifiers: MedGen C0950123, MeSH D030342.

Allele frequency attached by ClinVar (database versions not stated): gnomAD 0.00003; TOPMed 0.00009.
gnomAD v4.1: 28 of 1,614,004 alleles (0.0017%); highest among the groups gnomAD compares: Middle Eastern, 0.016%; no homozygotes.

Submissions (2):

Ambry Genetics
Classification: Uncertain significance for Inborn genetic diseases. Last evaluated: 2025-12-08. Review status: criteria provided, single submitter. Criteria: Ambry Variant Classification Scheme 2023. Collection method: clinical testing. Allele origin: germline.

Labcorp Genetics (formerly Invitae), Labcorp
Classification: Uncertain significance for Townes syndrome. Last evaluated: 2022-09-01. Review status: criteria provided, single submitter. Criteria: Invitae Variant Classification Sherloc (09022015). Collection method: clinical testing. Allele origin: germline.
Comment: In summary, the available evidence is currently insufficient to determine the role of this variant in disease. Therefore, it has been classified as a Variant of Uncertain Significance. Algorithms developed to predict the effect of missense changes on protein structure and function (SIFT, PolyPhen-2, Align-GVGD) all suggest that this variant is likely to be tolerated. This variant has not been reported in the literature in individuals affected with SALL1-related conditions. This variant is present in population databases (rs750975954, gnomAD 0.01%). This sequence change replaces valine, which is neutral and non-polar, with isoleucine, which is neutral and non-polar, at codon 641 of the SALL1 protein (p.Val641Ile).

NM_002968.3(SALL1):c.1921G>A (p.Val641Ile)

Gene: SALL1 (spalt like transcription factor 1; minus strand). Cytogenetic location: 16q12.1.
Variant type: single nucleotide variant.
Coding change: c.1921G>A on transcript NM_002968.3 (MANE Select); coding-DNA position 1921, G replaced by A.
Protein change: p.Val641Ile; replaces valine 641 with isoleucine.
Molecular consequence: missense variant.
Genome position (GRCh38, 1-based): chr16:51,140,301, C>T on the plus strand (G>A on the coding strand, the complement: SALL1 is on the minus strand). VCF-style: chr16-51140301-C-T. GRCh37 (hg19) VCF-style: chr16-51174212-C-T.
Other names: c.1630G>A, p.Val544Ile (NM_001127892.2); short protein forms V544I, V641I.
Identifiers: ClinVar variation 2075183 (VCV002075183.5), dbSNP rs750975954, ClinGen allele CA8053199.